The following is an entry in ClinVar:

NM_004364.5(CEBPA):c.973C>G (p.Arg325Gly)

Gene: CEBPA (CCAAT enhancer binding protein alpha; minus strand). Cytogenetic location: 19q13.11.
Variant type: single nucleotide variant.
Coding change: c.973C>G on transcript NM_004364.5 (MANE Select); coding-DNA position 973, C replaced by G.
Protein change: p.Arg325Gly; replaces arginine 325 with glycine.
Molecular consequence: missense variant.
Genome position (GRCh38, 1-based): chr19:33,301,442, G>C on the plus strand (C>G on the coding strand, the complement: CEBPA is on the minus strand). VCF-style: chr19-33301442-G-C. GRCh37 (hg19) VCF-style: chr19-33792348-G-C.
Other names: c.616C>G, p.Arg206Gly (NM_001285829.2); c.1078C>G, p.Arg360Gly (NM_001287424.2); c.931C>G, p.Arg311Gly (NM_001287435.2); short protein forms R311G, R325G, R360G, R206G.
Identifiers: ClinVar variation 4824866 (VCV004824866.1).
Genomic context (GRCh38, chr19:33,301,442, plus strand): 5'-GCTGGCGGAAGATGCCCCGCAGCGTGTCCAGTTCGCGGCTCAGCTGTTCCACCCGCTTGC[G>C]CAGGCGGTCATTGTCACTGGTCAGCTCCAGCACCTTCTGCTGCGTCTCCACGTTGCGCTG-3'
Protein context (NP_004355.2, residues 315-335): LELTSDNDRL[Arg325Gly]KRVEQLSREL

ClinVar aggregate classification (germline): Uncertain significance (1 of 4 stars; one submission).

Conditions:
Inborn genetic diseases. Identifiers: MedGen C0950123, MeSH D030342.

Submission:

Ambry Genetics
Classification: Uncertain significance for Inborn genetic diseases. Last evaluated: 2026-02-27. Review status: criteria provided, single submitter. Criteria: Ambry Variant Classification Scheme 2023. Collection method: clinical testing. Allele origin: germline.
Comment: The p.R325G variant (also known as c.973C>G), located in coding exon 1 of the CEBPA gene, results from a C to G substitution at nucleotide position 973. The arginine at codon 325 is replaced by glycine, an amino acid with dissimilar properties. This amino acid position is highly conserved in available vertebrate species. In addition, the in silico prediction for this alteration is inconclusive. Based on the available evidence, the clinical significance of this variant remains unclear.